The following is an entry in ClinVar:

ClinVar aggregate classification (germline): Likely benign (1 of 4 stars; one submission).

Submission:

CeGaT Center for Human Genetics Tuebingen
Classification: Likely benign. Last evaluated: 2025-10-01. Review status: criteria provided, single submitter. Criteria: CeGaT Center For Human Genetics Tuebingen Variant Classification Criteria Version 2. Collection method: clinical testing. Allele origin: germline. Affected: yes. Observed: 1 variant allele.
Comment: KMT2C: BS2

NM_170606.3(KMT2C):c.1299+39_1299+40del

Gene: KMT2C (lysine methyltransferase 2C; minus strand). Cytogenetic location: 7q36.1.
Variant type: Deletion.
Coding change: c.1299+39_1299+40del on transcript NM_170606.3 (MANE Select); bases 39 to 40 of the intron after coding-DNA position 1299, 2 bases deleted (AT; older notation c.1299+39_1299+40delAT).
Molecular consequence: intron variant.
Genome position (GRCh38, 1-based): chr7:152,262,976-152,262,977, AT deleted on the plus strand (AT on the coding strand, the reverse complement: KMT2C is on the minus strand); deleting any 2 consecutive bases within chr7:152,262,976-152,262,978 gives the same sequence; the c. name uses the placement nearest the transcript's 3' end. VCF-style (leftmost placement, unchanged base first): chr7-152262975-CAT-C. GRCh37 (hg19) VCF-style: chr7-151960060-CAT-C.
Identifiers: ClinVar variation 4534720 (VCV004534720.6).